The following is an entry in ClinVar:

ClinVar aggregate classification (germline): Uncertain significance (1 of 4 stars; one submission).

Conditions:
Neurofibromatosis, type 1 (NF1). Also called: NEUROFIBROMATOSIS, TYPE I, SOMATIC; Peripheral type neurofibromatosis; VON RECKLINGHAUSEN DISEASE; Neurofibromatosis, type I. Identifiers: Orphanet 636, MedGen C0027831, MONDO:0018975, OMIM 162200. Disease mechanism: loss of function.

Submission:

Labcorp Genetics (formerly Invitae), Labcorp
Classification: Uncertain significance for Neurofibromatosis, type 1. Last evaluated: 2022-09-19. Review status: criteria provided, single submitter. Criteria: Invitae Variant Classification Sherloc (09022015). Collection method: clinical testing. Allele origin: germline.
Comment: This variant results in a copy number gain of the genomic region encompassing exon(s) 50-57 of the NF1 gene. This region includes the termination codon of the gene. This copy number gain extends beyond the assayed region for this gene and therefore may encompass additional genes. As the precise location of this event is unknown, it may be in tandem or it may be located elsewhere in the genome. This variant has not been reported in the literature in individuals affected with NF1-related conditions. In summary, the available evidence is currently insufficient to determine the role of this variant in disease. Therefore, it has been classified as a Variant of Uncertain Significance.

NC_000017.10:g.(?_29679265)_(29701183_?)dup

Gene: NF1 (neurofibromin 1; plus strand). Cytogenetic location: 17q11.2.
Variant type: Duplication.
Identifiers: ClinVar variation 1006777 (VCV001006777.2).